The following is an entry in ClinVar:

NM_000089.4(COL1A2):c.1051G>A (p.Ala351Thr)

Gene: COL1A2 (collagen type I alpha 2 chain; plus strand). Cytogenetic location: 7q21.3.
Variant type: single nucleotide variant.
Coding change: c.1051G>A on transcript NM_000089.4 (MANE Select); coding-DNA position 1051, G replaced by A.
Protein change: p.Ala351Thr; replaces alanine 351 with threonine.
Molecular consequence: missense variant.
Genome position (GRCh38, 1-based): chr7:94,410,257, G>A. VCF-style: chr7-94410257-G-A. GRCh37 (hg19) VCF-style: chr7-94039569-G-A.
Other names: short protein forms A351T.
Identifiers: ClinVar variation 360952 (VCV000360952.18), dbSNP rs755610740, ClinGen allele CA4346925.
Genomic context (GRCh38, chr7:94,410,257, plus strand): 5'-CAACAAATGTTTGTCCTTTGACCACTGTTCTGTATTGAACCCTAGGGTGAGCCTGGTCCA[G>A]CTGGCTCCAAAGGAGAGAGCGGTAACAAGGGTGAGCCCGTAAGTAGCTCTATCATCACAC-3'
Protein context (NP_000080.2, residues 341-361): ARGLVGEPGP[Ala351Thr]GSKGESGNKG

ClinVar aggregate classification (germline): Conflicting classifications of pathogenicity. Review status: criteria provided, conflicting classifications (1 of 4 stars). 6 submissions from 5 submitters: Uncertain significance (5); Likely benign (1). Last evaluated 2025-08-04.

Conditions:
Intellectual disability. Also called: Intellectual functioning disability; Intellectual developmental disorder; intellectual disabilities. Identifiers: MedGen C3714756, MeSH D008607, MONDO:0001071, HP:0001249.
Ehlers-Danlos syndrome, arthrochalasia type, 2. Also called: EHLERS-DANLOS SYNDROME, TYPE VIIB, AUTOSOMAL DOMINANT. Identifiers: MedGen CN293783, MONDO:0040501, OMIM 617821.
Osteogenesis imperfecta (OI). Identifiers: Orphanet 666, MedGen C0029434, MeSH D010013, MONDO:0019019.
Ehlers-Danlos syndrome, cardiac valvular type. Identifiers: Orphanet 230851, MedGen C4303789, MONDO:0009159, OMIM 225320.
Osteogenesis imperfecta type I (OI1). Also called: OI, TYPE I; OSTEOGENESIS IMPERFECTA TARDA; OSTEOGENESIS IMPERFECTA WITH BLUE SCLERAE; Classic Non-deforming Osteogenesis Imperfecta with Blue Sclerae; Lobstein disease; Osteogenesis imperfecta type 1. Identifiers: Orphanet 216796, Orphanet 666, MedGen C0023931, MONDO:0008146, OMIM 166200. Disease mechanism: loss of function.
Ehlers-Danlos syndrome, classic type, 1 (EDSCL1). Also called: EHLERS-DANLOS SYNDROME, GRAVIS TYPE; EHLERS-DANLOS SYNDROME, SEVERE CLASSIC TYPE; EDS I; Ehlers-Danlos syndrome, type 1; Ehlers-Danlos Syndrome, Classic Type, COL5A1-Related. Identifiers: MedGen C0268335, MONDO:0019567, OMIM 130000.

Allele frequency attached by ClinVar (database versions not stated): ExAC 0.00001; gnomAD exomes 0.00002 and 0.00004; TOPMed 0.00003; gnomAD 0.00004.
gnomAD v4.1: 68 of 1,613,736 alleles (0.0042%); highest among the groups gnomAD compares: Non-Finnish European, 0.0052%; no homozygotes.

Submissions (6):

Labcorp Genetics (formerly Invitae), Labcorp
Classification: Uncertain significance for Osteogenesis imperfecta type I; Ehlers-Danlos syndrome, classic type, 1. Last evaluated: 2025-08-04. Review status: criteria provided, single submitter. Criteria: Invitae Variant Classification Sherloc (09022015). Collection method: clinical testing. Allele origin: germline.
Comment: This sequence change replaces alanine, which is neutral and non-polar, with threonine, which is neutral and polar, at codon 351 of the COL1A2 protein (p.Ala351Thr). This variant is present in population databases (rs755610740, gnomAD 0.01%). This variant has not been reported in the literature in individuals affected with COL1A2-related conditions. ClinVar contains an entry for this variant (Variation ID: 360952). Invitae Evidence Modeling of protein sequence and biophysical properties (such as structural, functional, and spatial information, amino acid conservation, physicochemical variation, residue mobility, and thermodynamic stability) indicates that this missense variant is not expected to disrupt COL1A2 protein function with a negative predictive value of 95%. In summary, the available evidence is currently insufficient to determine the role of this variant in disease. Therefore, it has been classified as a Variant of Uncertain Significance.

Blueprint Genetics
Classification: Uncertain significance. Last evaluated: 2024-01-08. Review status: criteria provided, single submitter. Criteria: ACMG Guidelines, 2015. Collection method: clinical testing. Allele origin: germline.

Victorian Clinical Genetics Services, Murdoch Childrens Research Institute
Classification: Uncertain significance for Ehlers-Danlos syndrome, cardiac valvular type. Last evaluated: 2022-09-02. Review status: criteria provided, single submitter. Criteria: ACMG Guidelines, 2015. Collection method: clinical testing. Allele origin: germline. Inheritance: Autosomal recessive inheritance. Affected: yes.
Comment: Based on the classification scheme VCGS_Germline_v1.3.4, this variant is classified as VUS-3B. Following criteria are met: 0103 - Dominant negative and loss of function are known mechanisms of disease in this gene. Heterozygous missense variants causing severe and lethal forms of osteogenesis imperfecta (MIM#166210, 259420, 166220) are due to a dominant negative mechanism, whereas biallelic loss of function variants result in the autosomal recessive form of Ehlers-Danlos syndrome (MIM#225320). The exact mechanism of disease for the autosomal dominant form of Ehlers-Danlos syndrome (MIM#2617821) remains unclear, however variants have been shown to result in the whole or partial skipping of exon 6 (PMID: 12362985, PMID: 31218159). (I) 0108 - This gene is associated with both recessive and dominant disease. Most phenotypes associated with this gene are autosomal dominant, however the cardiac valvular type of Ehlers-Danlos syndrome (MIM#225320) is recessively inherited (OMIM). (I) 0115 - Variants in this gene are known to have variable expressivity (GeneReviews). (I) 0200 - Variant is predicted to result in a missense amino acid change from alanine to threonine. (I) 0251 - This variant is heterozygous. (I) 0304 - Variant is present in gnomAD (v3) <0.01 (6 heterozygotes, 0 homozygotes). (SP) 0502 - Missense variant with conflicting in silico predictions and uninformative conservation. (I) 0600 - Variant is located in the annotated Y position within a G-X-Y motif (DECIPHER). (I) 0705 - No comparable missense variants have previous evidence for pathogenicity. (I) 0809 - Previous evidence of pathogenicity for this variant is inconclusive. This variant has been previously reported as a VUS (ClinVar). (I) 0905 - No published segregation evidence has been identified for this variant. (I) 1007 - No published functional evidence has been identified for this variant. (I) 1208 - Inheritance information for this variant is not currently available in this individual. (I) Legend: (SP) - Supporting pathogenic, (I) - Information, (SB) - Supporting benign

Cambridge Genomics Laboratory, East Genomic Laboratory Hub, NHS Genomic Medicine Service
Classification: Likely benign for Intellectual disability. Last evaluated: 2020-04-29. Review status: criteria provided, single submitter. Criteria: ACGS Best Practice Guidelines for Variant Classification in Rare Disease 2020. Collection method: clinical testing. Allele origin: germline. Affected: yes. Observed: 1 variant allele.

Illumina Laboratory Services, Illumina
Classification: Uncertain significance for Osteogenesis imperfecta. Last evaluated: 2018-01-13. Review status: criteria provided, single submitter. Criteria: ICSL Variant Classification Criteria 13 December 2019. Collection method: clinical testing. Allele origin: germline.

Illumina Laboratory Services, Illumina
Classification: Uncertain significance for Ehlers-Danlos syndrome, arthrochalasia type, 2. Last evaluated: 2018-01-13. Review status: criteria provided, single submitter. Criteria: ICSL Variant Classification Criteria 13 December 2019. Collection method: clinical testing. Allele origin: germline.

Literature cited by the submitters: PubMed 12362985 (cited by Victorian Clinical Genetics Services, Murdoch Childrens Research Institute); PubMed 31218159 (cited by Victorian Clinical Genetics Services, Murdoch Childrens Research Institute).